The following is an entry in ClinVar:

ClinVar aggregate classification (germline): Uncertain significance (1 of 4 stars; one submission).

Submission:

Labcorp Genetics (formerly Invitae), Labcorp
Classification: Uncertain significance. Last evaluated: 2020-07-22. Review status: criteria provided, single submitter. Criteria: Invitae Variant Classification Sherloc (09022015). Collection method: clinical testing. Allele origin: germline.
Comment: This sequence change replaces methionine with isoleucine at codon 1081 of the RBP3 protein (p.Met1081Ile). The methionine residue is highly conserved and there is a small physicochemical difference between methionine and isoleucine. This variant is not present in population databases (ExAC no frequency). In summary, the available evidence is currently insufficient to determine the role of this variant in disease. Therefore, it has been classified as a Variant of Uncertain Significance. Algorithms developed to predict the effect of missense changes on protein structure and function are either unavailable or do not agree on the potential impact of this missense change (SIFT: "Deleterious"; PolyPhen-2: "Benign"; Align-GVGD: "Class C0"). This variant has not been reported in the literature in individuals with RBP3-related conditions.

NM_002900.3(RBP3):c.3243G>C (p.Met1081Ile)

Gene: RBP3 (retinol binding protein 3; plus strand). Cytogenetic location: 10q11.22.
Variant type: single nucleotide variant.
Coding change: c.3243G>C on transcript NM_002900.3 (MANE Select); coding-DNA position 3243, G replaced by C.
Protein change: p.Met1081Ile; replaces methionine 1081 with isoleucine.
Molecular consequence: missense variant.
Genome position (GRCh38, 1-based): chr10:47,353,513, G>C. VCF-style: chr10-47353513-G-C. GRCh37 (hg19) VCF-style: chr10-48385849-C-G.
Other names: short protein forms M1081I.
Identifiers: ClinVar variation 1037940 (VCV001037940.8), dbSNP rs1837007677, ClinGen allele CA376676683.
Genomic context (GRCh38, chr10:47,353,513, plus strand): 5'-GCTGCTGGTGGAGCACATCTGGAAGAAGATCATGCACACGGATGCCATGATCATCGACAT[G>C]AGGTCAGTGGCCAGGGGTCAGTGCTTCCTAGCCAGGACGCAGGGCTGCCAGGGGACAGTC-3'
Protein context (NP_002891.1, residues 1071-1091): IMHTDAMIID[Met1081Ile]RFNIGGPTSS